The following is an entry in ClinVar:

NM_000284.4(PDHA1):c.983_986dup (p.Ala330fs)

Gene: PDHA1 (pyruvate dehydrogenase E1 subunit alpha 1; plus strand). Cytogenetic location: Xp22.12.
Variant type: Duplication.
Coding change: c.983_986dup on transcript NM_000284.4 (MANE Select); coding-DNA positions 983 to 986, 4 bases duplicated (ATCT; older notation c.983_986dupATCT).
Protein change: p.Ala330fs; shifts the reading frame from alanine 330.
Molecular consequence: frameshift variant.
Genome position (GRCh38, 1-based): chrX:19,358,999-19,359,002, ATCT duplicated. VCF-style (leftmost placement, unchanged base first): chrX-19358998-A-AATCT. GRCh37 (hg19) VCF-style: chrX-19377116-A-AATCT.
Other names: c.1097_1100dup, p.Ala368fs (NM_001173454.2); c.1004_1007dup, p.Ala337fs (NM_001173455.2); c.890_893dup, p.Ala299fs (NM_001173456.2); short protein forms A299fs, A330fs, A337fs, A368fs.
Identifiers: ClinVar variation 4070420 (VCV004070420.1).
Genomic context (GRCh38, chrX:19,358,998, plus strand): 5'-CAGGAAGTAAGAAGTAAGAGTGACCCTATTATGCTTCTCAAGGACAGGATGGTGAACAGC[A>AATCT]ATCTTGCCAGTGTGGAAGAACTAAAGGTACAGTCACTTGTTCATGGTGGTTTGAAGGTTG-3'

ClinVar aggregate classification (germline): Pathogenic (0 of 4 stars; one submission).

Conditions:
Pyruvate dehydrogenase E1-alpha deficiency (PDHAD). Also called: ATAXIA, INTERMITTENT, WITH PYRUVATE DEHYDROGENASE DEFICIENCY; ATAXIA WITH LACTIC ACIDOSIS I; ATAXIA, INTERMITTENT, WITH ABNORMAL PYRUVATE METABOLISM; Ataxia, intermittent, with pyruvate dehydrogenase, or decarboxylase, deficiency. Identifiers: Orphanet 79243, MedGen C1839413, MONDO:0010717, OMIM 312170.

Submission:

PDHA1 Study Group, University Children’s Hospital, Paracelsus Medical University
Classification: Pathogenic for Pyruvate dehydrogenase E1-alpha deficiency. Last evaluated: 2024-10-15. Review status: no assertion criteria provided. Collection method: research. Allele origin: germline. Affected: yes. Observed: 1 variant allele.
Comment: The NM_000284.3:c.983_986dup (p.Ala330SerfsTer11) change is a frameshift variant in PDHA1 gene. This variant is predicted to escape nonsense-mediated decay (NMD). The variant has been reported in 1 published case (PMIDs: 23021068). Last literature search: July 12, 2024. This variant is absent or extremely rare in population-based cohorts in the Genome Aggregation Database (gnomAD). Individuals harboring this variant presented with clinical features compatible with PDHA1-related PDHc deficiency. In summary, this variant meets criteria to be classified as pathogenic (P) for PDHA1-related PDHc deficiency based on the ACMG/AMP criteria applied: PVS1, PS3, PM2, PM7 (last assessment October 15, 2024).

Literature cited by the submitters: PubMed 23021068; DOI 10.1093/brain/awaf430.